The following is an entry in ClinVar:

NM_001371333.1(DIABLO):c.301A>G (p.Thr101Ala)

Gene: DIABLO (diablo IAP-binding mitochondrial protein; minus strand). Cytogenetic location: 12q24.31.
Variant type: single nucleotide variant.
Coding change: c.301A>G on transcript NM_001371333.1 (MANE Select); coding-DNA position 301, A replaced by G.
Protein change: p.Thr101Ala; replaces threonine 101 with alanine.
Molecular consequence: missense variant. On other transcripts: intron variant (2).
Genome position (GRCh38, 1-based): chr12:122,218,280, T>C on the plus strand (A>G on the coding strand, the complement: DIABLO is on the minus strand). VCF-style: chr12-122218280-T-C. GRCh37 (hg19) VCF-style: chr12-122702827-T-C.
Other names: c.82A>G, p.Thr28Ala (NM_001278303.1); c.142A>G, p.Thr48Ala (NM_001278304.2, NM_138930.3); c.301A>G, p.Thr101Ala (NM_019887.6); c.184-1411A>G (NM_001278342.1); c.25-1411A>G (NM_001278302.1); short protein forms T101A, T48A, T28A.
Identifiers: ClinVar variation 546148 (VCV000546148.3), dbSNP rs746807208, ClinGen allele CA6843965.
Genomic context (GRCh38, chr12:122,218,280, plus strand): 5'-TTGCTAAACCATGGTTTAGAAGATCAAGAGTTAAGAGGAGACATACCTTAGTATATTCAG[T>C]AATAGCTTCAATCAACGCATATGTGGTCTGAGAGAGAAAGGTAGAGGTGCTATCTGTTAC-3'
Protein context (NP_001358262.1, residues 91-111): QTTYALIEAI[Thr101Ala]EYTKAVYTLT

ClinVar aggregate classification (germline): Uncertain significance. Review status: criteria provided, multiple submitters, no conflicts (2 of 4 stars). 2 submissions from 2 submitters: Uncertain significance (2). Last evaluated 2026-04-28.

Conditions:
DIABLO-related disorder. Also called: DIABLO-related condition.

Allele frequency attached by ClinVar (database versions not stated): gnomAD exomes below 0.00001 and 0.00002; gnomAD 0.00001; TOPMed 0.00001; ExAC 0.00002.
gnomAD v4.1: 11 of 1,614,000 alleles (0.00068%); highest among the groups gnomAD compares: Non-Finnish European, 0.00059%; no homozygotes.

Submissions (2):

PreventionGenetics, part of Exact Sciences
Classification: Uncertain significance for DIABLO-related condition. Last evaluated: 2026-04-28. Review status: criteria provided, single submitter. Criteria: ACMG Guidelines, 2015. Collection method: clinical testing. Allele origin: germline.
Comment: The DIABLO c.301A>G variant is predicted to result in the amino acid substitution p.Thr101Ala. To our knowledge, this variant has not been reported in the literature. This variant is reported in 0.0035% of alleles in individuals of European (Non-Finnish) descent in gnomAD. At this time, the clinical significance of this variant is uncertain due to the absence of conclusive functional and genetic evidence.

GeneDx
Classification: Uncertain significance. Last evaluated: 2018-05-01. Review status: criteria provided, single submitter. Criteria: GeneDx Variant Classification (06012015). Collection method: clinical testing. Allele origin: germline. Affected: yes.
Comment: The T101A variant has not been published as a pathogenic variant, nor has it been reported as a benign variant to our knowledge. The variant is not observed at a significant frequency in large population cohorts (Lek et al., 2016). T101A is a non-conservative amino acid substitution, which is likely to impact secondary protein structure as these residues differ in polarity, charge, size and/or other properties. In-silico analyses, including protein predictors and evolutionary conservation, support a deleterious effect. In summary, based on the currently available information, it is unclear whether this variant is a pathogenic variant or a rare benign variant.